The following is an entry in ClinVar:

ClinVar aggregate classification (germline): Uncertain significance (1 of 4 stars; one submission).

Submission:

Labcorp Genetics (formerly Invitae), Labcorp
Classification: Uncertain significance. Last evaluated: 2023-10-13. Review status: criteria provided, single submitter. Criteria: Invitae Variant Classification Sherloc (09022015). Collection method: clinical testing. Allele origin: unknown.
Comment: A copy number gain of the genomic region encompassing the full coding sequence of the RPL23 gene has been identified. The boundaries of this event are unknown as they extend beyond the assayed region for this gene and therefore may encompass additional genes. As the precise location of this event is unknown, it may be in tandem or it may be located elsewhere in the genome. This variant has not been reported in the literature in individuals affected with RPL23-related conditions. In summary, the available evidence is currently insufficient to determine the role of this variant in disease. Therefore, it has been classified as a Variant of Uncertain Significance.

NC_000017.10:g.(?_37006385)_(37009963_?)dup

Gene: RPL23 (ribosomal protein L23; minus strand). Cytogenetic location: 17q12.
Variant type: Duplication.
Identifiers: ClinVar variation 3243125 (VCV003243125.1).